The following is an entry in ClinVar:

ClinVar aggregate classification (germline): Conflicting classifications of pathogenicity. Review status: criteria provided, conflicting classifications (1 of 4 stars). 3 submissions from 3 submitters: Uncertain significance (2); Likely benign (1). Last evaluated 2025-12-10.

Conditions:
Hereditary cancer-predisposing syndrome. Also called: Tumor predisposition; Neoplastic Syndromes, Hereditary; Hereditary Cancer Syndrome; Hereditary neoplastic syndrome. Identifiers: Orphanet 140162, MedGen C0027672, MeSH D009386, MONDO:0015356.
Gorlin syndrome. Also called: Basal cell nevus syndrome; Nevoid Basal Cell Carcinoma Syndrome. Identifiers: Orphanet 377, MedGen C0004779, MONDO:0007187.

Allele frequency attached by ClinVar (database versions not stated): gnomAD exomes below 0.00001.
gnomAD v4.1: 1 of 1,614,046 alleles (0.000062%); highest among the groups gnomAD compares: Non-Finnish European, 0.000085%; no homozygotes.

Submissions (3):

Ambry Genetics
Classification: Uncertain significance for Hereditary cancer-predisposing syndrome. Last evaluated: 2025-12-10. Review status: criteria provided, single submitter. Criteria: Ambry Variant Classification Scheme 2023. Collection method: clinical testing. Allele origin: germline.
Comment: The p.I1092M variant (also known as c.3276A>G), located in coding exon 19 of the PTCH1 gene, results from an A to G substitution at nucleotide position 3276. The isoleucine at codon 1092 is replaced by methionine, an amino acid with highly similar properties. This amino acid position is conserved. In addition, the in silico prediction for this alteration is inconclusive. Since supporting evidence is limited at this time, the clinical significance of this alteration remains unclear.

Labcorp Genetics (formerly Invitae), Labcorp
Classification: Likely benign for Gorlin syndrome. Last evaluated: 2023-12-18. Review status: criteria provided, single submitter. Criteria: Invitae Variant Classification Sherloc (09022015). Collection method: clinical testing. Allele origin: germline.

Sema4
Classification: Uncertain significance for Hereditary cancer-predisposing syndrome. Last evaluated: 2021-11-01. Review status: criteria provided, single submitter. Criteria: Sema4 Curation Guidelines. Collection method: curation. Allele origin: germline.
Comment: The PTCH1 c.3276A>G (p.I1092M) variant has not been reported in the literature to our knowledge. This variant was observed in 1/113754 chromosomes in the Non-Finnish European subpopulation in the large and broad cohorts of the Genome Aggregation Database (PMID: 32461654). This variant has been reported in ClinVar (Variation ID: 1057690). Functional studies have not been performed, and in silico predictions of the variant's effect on protein function are inconclusive. The evidence is insufficient to meet ACMG/AMP criteria for classifying the variant as benign or pathogenic. Thus, the clinical significance of this variant is currently uncertain.

NM_000264.5(PTCH1):c.3276A>G (p.Ile1092Met)

Gene: PTCH1 (patched 1; minus strand). Cytogenetic location: 9q22.32.
Variant type: single nucleotide variant.
Coding change: c.3276A>G on transcript NM_000264.5 (MANE Select); coding-DNA position 3276, A replaced by G.
Protein change: p.Ile1092Met; replaces isoleucine 1092 with methionine.
Molecular consequence: missense variant. On other transcripts: non-coding transcript variant (1).
Genome position (GRCh38, 1-based): chr9:95,456,306, T>C on the plus strand (A>G on the coding strand, the complement: PTCH1 is on the minus strand). VCF-style: chr9-95456306-T-C. GRCh37 (hg19) VCF-style: chr9-98218588-T-C.
Other names: c.3078A>G, p.Ile1026Met (NM_001083602.3); c.3273A>G, p.Ile1091Met (NM_001083603.3); c.2823A>G, p.Ile941Met (NM_001083604.3, NM_001083605.3, NM_001083606.3 and 1 more transcripts); c.3120A>G, p.Ile1040Met (NM_001354918.2); short protein forms I1026M, I1040M, I1091M, I1092M, I941M.
Identifiers: ClinVar variation 1057690 (VCV001057690.16), dbSNP rs1227312736, ClinGen allele CA374112014.